The following is an entry in ClinVar:

NM_024757.5(EHMT1):c.514C>G (p.Pro172Ala)

Gene: EHMT1 (euchromatic histone lysine methyltransferase 1; plus strand). Cytogenetic location: 9q34.3.
Variant type: single nucleotide variant.
Coding change: c.514C>G on transcript NM_024757.5 (MANE Select); coding-DNA position 514, C replaced by G.
Protein change: p.Pro172Ala; replaces proline 172 with alanine.
Molecular consequence: missense variant.
Genome position (GRCh38, 1-based): chr9:137,717,054, C>G. VCF-style: chr9-137717054-C-G. GRCh37 (hg19) VCF-style: chr9-140611506-C-G.
Other names: c.514C>G, p.Pro172Ala (NM_001145527.2, NM_001354263.2, NM_001354611.2); c.421C>G, p.Pro141Ala (NM_001354259.2, NM_001354612.2); short protein forms P141A, P172A.
Identifiers: ClinVar variation 3723040 (VCV003723040.2).
Genomic context (GRCh38, chr9:137,717,054, plus strand): 5'-GCAAAAACCCTTCCTGGAGGGGCTGGCAAAGGCAGGACTCCAAGCGCTTTTCCCCAGACG[C>G]CAGCCGCCCCACCAGCCACCCTTGGGGAGGGGAGTGCTGACACAGAGGACAGGAAGCTCC-3'
Protein context (NP_079033.4, residues 162-182): GRTPSAFPQT[Pro172Ala]AAPPATLGEG

ClinVar aggregate classification (germline): Uncertain significance (1 of 4 stars; one submission).

Conditions:
Kleefstra syndrome 1 (KLEFS1). Identifiers: Orphanet 261494, MedGen C0795833, MONDO:0027407, OMIM 610253.

gnomAD v4.1: 3 of 1,607,152 alleles (0.00019%); highest among the groups gnomAD compares: South Asian, 0.0011%; no homozygotes.

Submission:

Labcorp Genetics (formerly Invitae), Labcorp
Classification: Uncertain significance for Kleefstra syndrome 1. Last evaluated: 2024-10-16. Review status: criteria provided, single submitter. Criteria: Invitae Variant Classification Sherloc (09022015). Collection method: clinical testing. Allele origin: germline.
Comment: This sequence change replaces proline, which is neutral and non-polar, with alanine, which is neutral and non-polar, at codon 172 of the EHMT1 protein (p.Pro172Ala). This variant is present in population databases (no rsID available, gnomAD 0.005%). This variant has not been reported in the literature in individuals affected with EHMT1-related conditions. An algorithm developed to predict the effect of missense changes on protein structure and function (PolyPhen-2) suggests that this variant is likely to be tolerated. In summary, the available evidence is currently insufficient to determine the role of this variant in disease. Therefore, it has been classified as a Variant of Uncertain Significance.